The following is an entry in ClinVar:

ClinVar aggregate classification (germline): Uncertain significance (1 of 4 stars; one submission).

Submission:

GeneDx
Classification: Uncertain significance. Last evaluated: 2026-01-23. Review status: criteria provided, single submitter. Criteria: GeneDx Variant Classification Process June 2021. Collection method: clinical testing. Allele origin: germline.
Comment: Not observed at significant frequency in large population cohorts (gnomAD); Frameshift variant predicted to result in protein truncation or nonsense mediated decay in a gene or region of a gene for which loss of function is not a well-established mechanism of disease; Has not been previously published as pathogenic or benign to our knowledge

NM_175634.3(RUNX1T1):c.88+13417del

Gene: RUNX1T1 (RUNX1 partner transcriptional co-repressor 1; minus strand). Cytogenetic location: 8q21.3.
Variant type: Deletion.
Coding change: c.88+13417del on transcript NM_175634.3 (MANE Select); 13417 bases into the intron after coding-DNA position 88, one base deleted (C; older notation c.88+13417delC).
Molecular consequence: intron variant. On other transcripts: frameshift variant (3).
Genome position (GRCh38, 1-based): chr8:92,062,548, G deleted on the plus strand (C on the coding strand, the reverse complement: RUNX1T1 is on the minus strand); the first of 2 consecutive G bases (chr8:92,062,548-92,062,549); deleting either gives the same sequence. VCF-style (leftmost placement, unchanged base first): chr8-92062547-AG-A. GRCh37 (hg19) VCF-style: chr8-93074775-AG-A.
Other names: c.5del, p.Pro2fs (NM_001198625.2, NM_001198632.2, NM_004349.4); c.28+40309del (NM_001198633.2); c.172+32480del (NM_001395209.1); c.88+13417del (NM_001198628.2, NM_001198631.2, NM_001198626.2 and 3 more transcripts); c.265+32480del (NM_001198679.3); c.121+32799del (NM_001198634.2); c.-24+32480del (NM_175635.3); short protein forms P2fs.
Identifiers: ClinVar variation 4975448 (VCV004975448.1).